The following is an entry in ClinVar:

NM_030662.4(MAP2K2):c.1157C>A (p.Thr386Asn)

Gene: MAP2K2 (mitogen-activated protein kinase kinase 2; minus strand). Cytogenetic location: 19p13.3.
Variant type: single nucleotide variant.
Coding change: c.1157C>A on transcript NM_030662.4 (MANE Select); coding-DNA position 1157, C replaced by A.
Protein change: p.Thr386Asn; replaces threonine 386 with asparagine.
Molecular consequence: missense variant.
Genome position (GRCh38, 1-based): chr19:4,090,644, G>T on the plus strand (C>A on the coding strand, the complement: MAP2K2 is on the minus strand). VCF-style: chr19-4090644-G-T. GRCh37 (hg19) VCF-style: chr19-4090642-G-T.
Other names: short protein forms T386N.
Identifiers: ClinVar variation 2898766 (VCV002898766.3), dbSNP rs2145036510, ClinGen allele CA403380865.

ClinVar aggregate classification (germline): Uncertain significance (1 of 4 stars; one submission).

Conditions:
RASopathy. Also called: rasopathies; Noonan spectrum disorder. Identifiers: Orphanet 536391, MedGen C5555857, MONDO:0021060.

Submission:

Labcorp Genetics (formerly Invitae), Labcorp
Classification: Uncertain significance for RASopathy. Last evaluated: 2023-12-11. Review status: criteria provided, single submitter. Criteria: Invitae Variant Classification Sherloc (09022015). Collection method: clinical testing. Allele origin: germline.
Comment: This sequence change replaces threonine, which is neutral and polar, with asparagine, which is neutral and polar, at codon 386 of the MAP2K2 protein (p.Thr386Asn). This variant is not present in population databases (gnomAD no frequency). This variant has not been reported in the literature in individuals affected with MAP2K2-related conditions. Advanced modeling of protein sequence and biophysical properties (such as structural, functional, and spatial information, amino acid conservation, physicochemical variation, residue mobility, and thermodynamic stability) performed at Invitae indicates that this missense variant is not expected to disrupt MAP2K2 protein function with a negative predictive value of 95%. In summary, the available evidence is currently insufficient to determine the role of this variant in disease. Therefore, it has been classified as a Variant of Uncertain Significance.